The following is an entry in ClinVar:

ClinVar aggregate classification (germline): Likely benign (1 of 4 stars; one submission).

gnomAD v4.1: 247 of 1,604,348 alleles (0.015%); highest among the groups gnomAD compares: South Asian, 0.071%; 42 homozygotes.

Submission:

CeGaT Center for Human Genetics Tuebingen
Classification: Likely benign. Last evaluated: 2025-10-01. Review status: criteria provided, single submitter. Criteria: CeGaT Center For Human Genetics Tuebingen Variant Classification Criteria Version 2. Collection method: clinical testing. Allele origin: germline. Affected: yes. Observed: 1 variant allele.
Comment: PRAMEF1: BP4, BP7, BS2

NM_023013.4(PRAMEF1):c.843T>C (p.Ser281=)

Gene: PRAMEF1 (PRAME family member 1; plus strand). Cytogenetic location: 1p36.21.
Variant type: single nucleotide variant.
Coding change: c.843T>C on transcript NM_023013.4 (MANE Select); coding-DNA position 843, T replaced by C.
Protein change: p.Ser281=; no amino-acid change (serine 281 retained).
Molecular consequence: synonymous variant.
Genome position (GRCh38, 1-based): chr1:12,794,470, T>C. VCF-style: chr1-12794470-T-C. GRCh37 (hg19) VCF-style: chr1-12854619-T-C.
Identifiers: ClinVar variation 4533941 (VCV004533941.6).
Genomic context (GRCh38, chr1:12,794,470, plus strand): 5'-TGTGTTCCTCAGGCTGGAACACCTTCAGTTGCTTAAAATAAAATTGATCACCTTCTTCAG[T>C]GGGCACCTGGAACAGCTGATCAGGTGAGAAAGGATCATGCACTTTGTATGCAGACCACAG-3'
Protein context (NP_075389.2, residues 271-291): LLKIKLITFF[Ser281=]GHLEQLIRCL